The following is an entry in ClinVar:

NM_006516.4(SLC2A1):c.1042G>A (p.Ala348Thr)

Gene: SLC2A1 (solute carrier family 2 member 1; minus strand). Cytogenetic location: 1p34.2.
Variant type: single nucleotide variant.
Coding change: c.1042G>A on transcript NM_006516.4 (MANE Select); coding-DNA position 1042, G replaced by A.
Protein change: p.Ala348Thr; replaces alanine 348 with threonine.
Molecular consequence: missense variant.
Genome position (GRCh38, 1-based): chr1:42,928,964, C>T on the plus strand (G>A on the coding strand, the complement: SLC2A1 is on the minus strand). VCF-style: chr1-42928964-C-T. GRCh37 (hg19) VCF-style: chr1-43394635-C-T.
Other names: short protein forms A348T.
Identifiers: ClinVar variation 1021707 (VCV001021707.9), dbSNP rs1643456790, ClinGen allele CA339955709.
Genomic context (GRCh38, chr1:42,928,964, plus strand): 5'-CCTCACTCTCCAGAACCTAGCAACTCACCAGCAGTGCTAGCGCGATGGTCATGAGTATGG[C>T]ACAACCCGCCATGCCAGCGAGGCCTATGAGGTGCAGGGTCCGCCGGCCTGCTCGCTCCAC-3'
Protein context (NP_006507.2, residues 338-358): LIGLAGMAGC[Ala348Thr]ILMTIALALL

ClinVar aggregate classification (germline): Uncertain significance (1 of 4 stars; one submission).

Conditions:
GLUT1 deficiency syndrome 1, autosomal recessive. Identifiers: MedGen C3149117.

Submission:

Labcorp Genetics (formerly Invitae), Labcorp
Classification: Uncertain significance for GLUT1 deficiency syndrome 1, autosomal recessive. Last evaluated: 2025-01-06. Review status: criteria provided, single submitter. Criteria: Invitae Variant Classification Sherloc (09022015). Collection method: clinical testing. Allele origin: germline.
Comment: This sequence change replaces alanine, which is neutral and non-polar, with threonine, which is neutral and polar, at codon 348 of the SLC2A1 protein (p.Ala348Thr). This variant is not present in population databases (gnomAD no frequency). This variant has not been reported in the literature in individuals affected with SLC2A1-related conditions. ClinVar contains an entry for this variant (Variation ID: 1021707). Invitae Evidence Modeling of protein sequence and biophysical properties (such as structural, functional, and spatial information, amino acid conservation, physicochemical variation, residue mobility, and thermodynamic stability) has been performed for this missense variant. However, the output from this modeling did not meet the statistical confidence thresholds required to predict the impact of this variant on SLC2A1 protein function. In summary, the available evidence is currently insufficient to determine the role of this variant in disease. Therefore, it has been classified as a Variant of Uncertain Significance.